The following is an entry in ClinVar:

NM_020191.4(MRPS22):c.321T>C (p.Thr107=)

Gene: MRPS22 (mitochondrial ribosomal protein S22; plus strand). Cytogenetic location: 3q23.
Variant type: single nucleotide variant.
Coding change: c.321T>C on transcript NM_020191.4 (MANE Select); coding-DNA position 321, T replaced by C.
Protein change: p.Thr107=; no amino-acid change (threonine 107 retained).
Molecular consequence: synonymous variant.
Genome position (GRCh38, 1-based): chr3:139,347,026, T>C. VCF-style: chr3-139347026-T-C. GRCh37 (hg19) VCF-style: chr3-139065868-T-C.
Other names: c.198T>C, p.Thr66= (NM_001363857.1); c.318T>C, p.Thr106= (NM_001363893.1).
Identifiers: ClinVar variation 517091 (VCV000517091.49), dbSNP rs150391961, ClinGen allele CA2640679.
Genomic context (GRCh38, chr3:139,347,026, plus strand): 5'-GCAGAAGACTTTTAAGCCAGCTATACAAGAACTGAAGCCACCAACCTATAAGCTAATGAC[T>C]CAGGCACAGTTGGAAGAGGTACGTGAATGCAGGAATATTGTTAGAATACCTTTCTTTAAG-3'
Protein context (NP_064576.1, residues 97-117): ELKPPTYKLM[Thr107=]QAQLEEATRQ

ClinVar aggregate classification (germline): Benign/Likely benign. Review status: criteria provided, multiple submitters, no conflicts (2 of 4 stars). 6 submissions from 6 submitters: Benign (1); Likely benign (4). 1 of the submissions does not count toward it. Last evaluated 2024-10-01.

Conditions:
MRPS22-related disorder. Also called: MRPS22-related condition.

Allele frequency attached by ClinVar (database versions not stated): TOPMed 0.00003; gnomAD 0.00004 and 0.00006; ESP Exome Variant Server 0.00008; gnomAD exomes 0.00013 and 0.00021; ExAC 0.00026.
gnomAD v4.1: 201 of 1,614,168 alleles (0.012%); highest among the groups gnomAD compares: Middle Eastern, 0.2%; 3 homozygotes.

Submissions (6):

Blueprint Genetics
Classification: Likely benign. Last evaluated: 2024-10-01. Review status: criteria provided, single submitter. Criteria: ACMG Guidelines, 2015. Collection method: clinical testing. Allele origin: germline.

Labcorp Genetics (formerly Invitae), Labcorp
Classification: Benign. Last evaluated: 2024-02-29. Review status: criteria provided, single submitter. Criteria: Invitae Variant Classification Sherloc (09022015). Collection method: clinical testing. Allele origin: germline.

CeGaT Center for Human Genetics Tuebingen
Classification: Likely benign. Last evaluated: 2022-04-01. Review status: criteria provided, single submitter. Criteria: CeGaT Center For Human Genetics Tuebingen Variant Classification Criteria Version 2. Collection method: clinical testing. Allele origin: germline. Affected: yes. Observed: 2 variant alleles.
Comment: MRPS22: BP4, BP7

GeneDx
Classification: Likely benign. Last evaluated: 2018-11-16. Review status: criteria provided, single submitter. Criteria: GeneDx Variant Classification Process June 2021. Collection method: clinical testing. Allele origin: germline. Affected: yes.

Breakthrough Genomics
Classification: Likely benign. Review status: criteria provided, single submitter. Criteria: ACMG Guidelines, 2015. Collection method: not provided. Allele origin: germline. Inheritance: Autosomal recessive inheritance. Affected: yes.

PreventionGenetics, part of Exact Sciences
Classification: Likely benign for MRPS22-related condition. Last evaluated: 2019-05-10. Review status: no assertion criteria provided. Collection method: clinical testing. Allele origin: germline. Not counted in ClinVar's aggregate classification.
Comment: This variant is classified as likely benign based on ACMG/AMP sequence variant interpretation guidelines (Richards et al. 2015 PMID: 25741868, with internal and published modifications).